The following is an entry in ClinVar:

ClinVar aggregate classification (germline): Likely benign (1 of 4 stars; one submission).

gnomAD v4.1: 14 of 1,555,628 alleles (0.0009%); highest among the groups gnomAD compares: Non-Finnish European, 0.00087%; no homozygotes.

Submission:

CeGaT Center for Human Genetics Tuebingen
Classification: Likely benign. Last evaluated: 2026-04-01. Review status: criteria provided, single submitter. Criteria: CeGaT Center For Human Genetics Tuebingen Variant Classification Criteria Version 2. Collection method: clinical testing. Allele origin: germline. Affected: yes. Observed: 1 variant allele.
Comment: NDUFB10: BP4, BP7

NM_004548.3(NDUFB10):c.423G>A (p.Gly141=)

Gene: NDUFB10 (NADH:ubiquinone oxidoreductase subunit B10; plus strand). Cytogenetic location: 16p13.3.
Variant type: single nucleotide variant.
Coding change: c.423G>A on transcript NM_004548.3 (MANE Select); coding-DNA position 423, G replaced by A.
Protein change: p.Gly141=; no amino-acid change (glycine 141 retained).
Molecular consequence: synonymous variant.
Genome position (GRCh38, 1-based): chr16:1,961,810, G>A. VCF-style: chr16-1961810-G-A. GRCh37 (hg19) VCF-style: chr16-2011811-G-A.
Identifiers: ClinVar variation 4873785 (VCV004873785.2).